The following is an entry in ClinVar:

NM_020207.7(ERCC6L2):c.4172C>T (p.Thr1391Ile)

Gene: ERCC6L2 (ERCC excision repair 6 like 2; plus strand). Cytogenetic location: 9q22.32.
Variant type: single nucleotide variant.
Coding change: c.4172C>T on transcript NM_020207.7 (MANE Select); coding-DNA position 4172, C replaced by T.
Protein change: p.Thr1391Ile; replaces threonine 1391 with isoleucine.
Molecular consequence: missense variant. On other transcripts: non-coding transcript variant (1), intron variant (2).
Genome position (GRCh38, 1-based): chr9:96,012,722, C>T. VCF-style: chr9-96012722-C-T. GRCh37 (hg19) VCF-style: chr9-98775004-C-T.
Other names: c.3674+8021C>T (NM_001375291.1, NM_001375292.1); c.4205C>T (NM_020207.4); short protein forms T1391I.
Identifiers: ClinVar variation 1635445 (VCV001635445.11), dbSNP rs150060124, ClinGen allele CA5140070.

ClinVar aggregate classification (germline): Conflicting classifications of pathogenicity. Review status: criteria provided, conflicting classifications (1 of 4 stars). 3 submissions from 3 submitters: Uncertain significance (1); Likely benign (1). 1 of the submissions does not count toward it. Last evaluated 2026-01-24.

Conditions:
ERCC6L2-related disorder. Also called: ERCC6L2-related condition.

Allele frequency attached by ClinVar (database versions not stated): gnomAD exomes 0.00004 and 0.00015; ExAC 0.00022; ESP Exome Variant Server 0.00062; gnomAD 0.00066 and 0.00073; TOPMed 0.00071.
gnomAD v4.1: 158 of 1,367,510 alleles (0.012%); highest among the groups gnomAD compares: African/African-American, 0.2%; no homozygotes.

Submissions (3):

Labcorp Genetics (formerly Invitae), Labcorp
Classification: Likely benign. Last evaluated: 2026-01-24. Review status: criteria provided, single submitter. Criteria: Invitae Variant Classification Sherloc (09022015). Collection method: clinical testing. Allele origin: germline.

Blueprint Genetics
Classification: Uncertain significance. Last evaluated: 2024-08-28. Review status: criteria provided, single submitter. Criteria: ACMG Guidelines, 2015. Collection method: clinical testing. Allele origin: germline.

PreventionGenetics, part of Exact Sciences
Classification: Likely benign for ERCC6L2-related condition. Last evaluated: 2022-11-10. Review status: no assertion criteria provided. Collection method: clinical testing. Allele origin: germline. Not counted in ClinVar's aggregate classification.
Comment: This variant is classified as likely benign based on ACMG/AMP sequence variant interpretation guidelines (Richards et al. 2015 PMID: 25741868, with internal and published modifications).